The following is an entry in ClinVar:

NM_018993.4(RIN2):c.479G>C (p.Gly160Ala)

Gene: RIN2 (Ras and Rab interactor 2; plus strand). Cytogenetic location: 20p11.23.
Variant type: single nucleotide variant.
Coding change: c.479G>C on transcript NM_018993.4 (MANE Select); coding-DNA position 479, G replaced by C.
Protein change: p.Gly160Ala; replaces glycine 160 with alanine.
Molecular consequence: missense variant. On other transcripts: intron variant (1).
Genome position (GRCh38, 1-based): chr20:19,964,967, G>C. VCF-style: chr20-19964967-G-C. GRCh37 (hg19) VCF-style: chr20-19945611-G-C.
Other names: c.626G>C, p.Gly209Ala (NM_001242581.2); c.-83+4156G>C (NM_001378238.1); short protein forms G209A, G160A.
Identifiers: ClinVar variation 1379919 (VCV001379919.3), dbSNP rs374144324, ClinGen allele CA9779841.
Genomic context (GRCh38, chr20:19,964,967, plus strand): 5'-ACGTGCTCAGGGAGAATCAGCTGGTTTCTGAAATCTCTTTTCCAGCCTTTTCCCTGGAAG[G>C]CTCAGGAATCAGTTTCGCAGATTTATTCCGGCTCATTGCTTTCTACTGCATCAGCAGGTA-3'
Protein context (NP_061866.1, residues 150-170): KESTYTFSLE[Gly160Ala]SGISFADLFR

ClinVar aggregate classification (germline): Uncertain significance (1 of 4 stars; one submission).

Allele frequency attached by ClinVar (database versions not stated): ESP Exome Variant Server 0.00008.
gnomAD v4.1: 53 of 1,613,456 alleles (0.0033%); highest among the groups gnomAD compares: African/African-American, 0.015%; no homozygotes.

Submission:

Labcorp Genetics (formerly Invitae), Labcorp
Classification: Uncertain significance. Last evaluated: 2022-03-12. Review status: criteria provided, single submitter. Criteria: Invitae Variant Classification Sherloc (09022015). Collection method: clinical testing. Allele origin: germline.
Comment: This sequence change replaces glycine, which is neutral and non-polar, with alanine, which is neutral and non-polar, at codon 160 of the RIN2 protein (p.Gly160Ala). This variant is present in population databases (rs374144324, gnomAD 0.02%). This variant has not been reported in the literature in individuals affected with RIN2-related conditions. Algorithms developed to predict the effect of missense changes on protein structure and function are either unavailable or do not agree on the potential impact of this missense change (SIFT: "Tolerated"; PolyPhen-2: "Not Available"; Align-GVGD: "Class C0"). In summary, the available evidence is currently insufficient to determine the role of this variant in disease. Therefore, it has been classified as a Variant of Uncertain Significance.